The following is an entry in ClinVar:

ClinVar aggregate classification (germline): Uncertain significance. Review status: criteria provided, multiple submitters, no conflicts (2 of 4 stars). 3 submissions from 3 submitters: Uncertain significance (3). Last evaluated 2025-08-18.

Conditions:
Mucopolysaccharidosis, MPS-II (MPS2). Also called: Mucopolysaccharidosis with skin involvement; Mucopolysaccharidosis type 2; Attenuated MPS (subtype; formerly known as mild MPS II); Severe MPS II; I2S deficiency; MPS 2. Identifiers: Orphanet 580, Orphanet 79388, MedGen C0026705, MONDO:0010674, OMIM 309900.

Allele frequency attached by ClinVar (database versions not stated): gnomAD exomes below 0.00001; TOPMed 0.00002.
gnomAD v4.1: 1 of 1,210,877 alleles (0.000083%); highest among the groups gnomAD compares: African/African-American, 0.0017%; no homozygotes.

Submissions (3):

GeneDx
Classification: Uncertain significance. Last evaluated: 2025-08-18. Review status: criteria provided, single submitter. Criteria: GeneDx Variant Classification Process June 2021. Collection method: clinical testing. Allele origin: germline.
Comment: Observed as hemizygous in multiple unrelated patients with low iduronate 2-sulfatase activity on newborn screening; follow-up testing of glycosaminoglycans have been within the normal range in assessed patients (PMID: 36907694, 33124617, 31732130); In silico analysis supports that this missense variant has a deleterious effect on protein structure/function; This variant is associated with the following publications: (PMID: 31732130, 33124617, 36907694)

Labcorp Genetics (formerly Invitae), Labcorp
Classification: Uncertain significance for Mucopolysaccharidosis, MPS-II. Last evaluated: 2025-04-08. Review status: criteria provided, single submitter. Criteria: Invitae Variant Classification Sherloc (09022015). Collection method: clinical testing. Allele origin: germline.
Comment: This sequence change replaces serine, which is neutral and polar, with leucine, which is neutral and non-polar, at codon 470 of the IDS protein (p.Ser470Leu). This variant is not present in population databases (gnomAD no frequency). This missense change has been observed in individual(s) with a positive newborn screening result for IDS-related disease (PMID: 36907694). ClinVar contains an entry for this variant (Variation ID: 2689230). Invitae Evidence Modeling of protein sequence and biophysical properties (such as structural, functional, and spatial information, amino acid conservation, physicochemical variation, residue mobility, and thermodynamic stability) indicates that this missense variant is not expected to disrupt IDS protein function with a negative predictive value of 80%. In summary, the available evidence is currently insufficient to determine the role of this variant in disease. Therefore, it has been classified as a Variant of Uncertain Significance.

Revvity Omics, Revvity
Classification: Uncertain significance for Mucopolysaccharidosis, MPS-II. Last evaluated: 2024-11-12. Review status: criteria provided, single submitter. Criteria: ACMG Guidelines, 2015. Collection method: clinical testing. Allele origin: germline.

Literature cited by the submitters: PubMed 36907694 (cited by Labcorp Genetics (formerly Invitae), Labcorp).

NM_000202.8(IDS):c.1409C>T (p.Ser470Leu)

Gene: IDS (iduronate 2-sulfatase; minus strand). Cytogenetic location: Xq28.
Variant type: single nucleotide variant.
Coding change: c.1409C>T on transcript NM_000202.8 (MANE Select); coding-DNA position 1409, C replaced by T.
Protein change: p.Ser470Leu; replaces serine 470 with leucine.
Molecular consequence: missense variant.
Genome position (GRCh38, 1-based): chrX:149,482,990, G>A on the plus strand (C>T on the coding strand, the complement: IDS is on the minus strand). VCF-style: chrX-149482990-G-A. GRCh37 (hg19) VCF-style: chrX-148564521-G-A.
Other names: c.1409C>T (NM_000202.4); c.1139C>T, p.Ser380Leu (NM_001166550.4); short protein forms S380L, S470L.
Identifiers: ClinVar variation 2689230 (VCV002689230.5), dbSNP rs868934036, ClinGen allele CA337035526.
Genomic context (GRCh38, chrX:149,482,990, plus strand): 5'-TAGCCCATGATCTTTATATCTTTTAAACTCGGCTTGTCAGAATTCCACTGAGGGATGTCT[G>A]AAGGCCGGGGATACTGGCTATAGGCAATCAGTTCACGGGGATTACCAGGGAGGTACGGAT-3'
Protein context (NP_000193.1, residues 460-480): LIAYSQYPRP[Ser470Leu]DIPQWNSDKP